The following is an entry in ClinVar:

ClinVar aggregate classification (germline): Uncertain significance (1 of 4 stars; one submission).

Conditions:
Epileptic encephalopathy. Identifiers: MedGen C0543888, HP:0200134.

Allele frequency attached by ClinVar (database versions not stated): ExAC 0.00001; gnomAD exomes 0.00002; gnomAD 0.00002; TOPMed 0.00003.

Submission:

Labcorp Genetics (formerly Invitae), Labcorp
Classification: Uncertain significance for Epileptic encephalopathy. Last evaluated: 2024-12-16. Review status: criteria provided, single submitter. Criteria: Invitae Variant Classification Sherloc (09022015). Collection method: clinical testing. Allele origin: germline.
Comment: This sequence change replaces arginine, which is basic and polar, with histidine, which is basic and polar, at codon 2026 of the FASN protein (p.Arg2026His). This variant is present in population databases (rs769327857, gnomAD 0.006%). This variant has not been reported in the literature in individuals affected with FASN-related conditions. ClinVar contains an entry for this variant (Variation ID: 2040552). An algorithm developed to predict the effect of missense changes on protein structure and function (PolyPhen-2) suggests that this variant is likely to be tolerated. In summary, the available evidence is currently insufficient to determine the role of this variant in disease. Therefore, it has been classified as a Variant of Uncertain Significance.

NM_004104.5(FASN):c.6077G>A (p.Arg2026His)

Gene: FASN (fatty acid synthase; minus strand). Cytogenetic location: 17q25.3.
Variant type: single nucleotide variant.
Coding change: c.6077G>A on transcript NM_004104.5 (MANE Select); coding-DNA position 6077, G replaced by A.
Protein change: p.Arg2026His; replaces arginine 2026 with histidine.
Molecular consequence: missense variant.
Genome position (GRCh38, 1-based): chr17:82,082,095, C>T on the plus strand (G>A on the coding strand, the complement: FASN is on the minus strand). VCF-style: chr17-82082095-C-T. GRCh37 (hg19) VCF-style: chr17-80039971-C-T.
Other names: short protein forms R2026H.
Identifiers: ClinVar variation 2040552 (VCV002040552.4), dbSNP rs769327857, ClinGen allele CA8851437.